The following is an entry in ClinVar:

NM_005560.6(LAMA5):c.9454G>A (p.Gly3152Ser)

Gene: LAMA5 (laminin subunit alpha 5; minus strand). Cytogenetic location: 20q13.33.
Variant type: single nucleotide variant.
Coding change: c.9454G>A on transcript NM_005560.6 (MANE Select); coding-DNA position 9454, G replaced by A.
Protein change: p.Gly3152Ser; replaces glycine 3152 with serine.
Molecular consequence: missense variant.
Genome position (GRCh38, 1-based): chr20:62,312,223, C>T on the plus strand (G>A on the coding strand, the complement: LAMA5 is on the minus strand). VCF-style: chr20-62312223-C-T. GRCh37 (hg19) VCF-style: chr20-60887279-C-T.
Other names: short protein forms G3152S.
Identifiers: ClinVar variation 1415215 (VCV001415215.7), dbSNP rs138268904, ClinGen allele CA9940233.

ClinVar aggregate classification (germline): Uncertain significance (1 of 4 stars; one submission).

Allele frequency attached by ClinVar (database versions not stated): gnomAD exomes 0.00010; TOPMed 0.00032; 1000 Genomes Project 30x 0.00078; gnomAD 0.00035 and 0.00036; 1000 Genomes Project 0.00060; ExAC 0.00014; ESP Exome Variant Server 0.00023.
gnomAD v4.1: 133 of 1,610,488 alleles (0.0083%); highest among the groups gnomAD compares: African/African-American, 0.12%; no homozygotes.

Submission:

Labcorp Genetics (formerly Invitae), Labcorp
Classification: Uncertain significance. Last evaluated: 2023-10-18. Review status: criteria provided, single submitter. Criteria: Invitae Variant Classification Sherloc (09022015). Collection method: clinical testing. Allele origin: germline.
Comment: This sequence change replaces glycine, which is neutral and non-polar, with serine, which is neutral and polar, at codon 3152 of the LAMA5 protein (p.Gly3152Ser). This variant is present in population databases (rs138268904, gnomAD 0.1%). This variant has not been reported in the literature in individuals affected with LAMA5-related conditions. ClinVar contains an entry for this variant (Variation ID: 1415215). Advanced modeling of protein sequence and biophysical properties (such as structural, functional, and spatial information, amino acid conservation, physicochemical variation, residue mobility, and thermodynamic stability) performed at Invitae indicates that this missense variant is expected to disrupt LAMA5 protein function. In summary, the available evidence is currently insufficient to determine the role of this variant in disease. Therefore, it has been classified as a Variant of Uncertain Significance.